The following is an entry in ClinVar:

ClinVar aggregate classification (germline): Pathogenic (1 of 4 stars; one submission).

Submission:

Labcorp Genetics (formerly Invitae), Labcorp
Classification: Pathogenic. Last evaluated: 2023-08-02. Review status: criteria provided, single submitter. Criteria: Invitae Variant Classification Sherloc (09022015). Collection method: clinical testing. Allele origin: germline.
Comment: This sequence change creates a premature translational stop signal (p.Glu245*) in the TBCE gene. It is expected to result in an absent or disrupted protein product. Loss-of-function variants in TBCE are known to be pathogenic (PMID: 27666369, 34134906, 34356170). This variant is not present in population databases (gnomAD no frequency). This variant has not been reported in the literature in individuals affected with TBCE-related conditions. For these reasons, this variant has been classified as Pathogenic.

Literature cited by the submitters: PubMed 27666369; PubMed 34134906; PubMed 34356170.

NM_003193.5(TBCE):c.733G>T (p.Glu245Ter)

Gene: TBCE (tubulin folding cofactor E; plus strand). Cytogenetic location: 1q42.3.
Variant type: single nucleotide variant.
Coding change: c.733G>T on transcript NM_003193.5 (MANE Select); coding-DNA position 733, G replaced by T.
Protein change: p.Glu245Ter; replaces glutamic acid 245 with a stop codon.
Molecular consequence: nonsense.
Genome position (GRCh38, 1-based): chr1:235,434,276, G>T. VCF-style: chr1-235434276-G-T. GRCh37 (hg19) VCF-style: chr1-235597591-G-T.
Other names: c.733G>T, p.Glu245Ter (NM_001079515.3); c.886G>T, p.Glu296Ter (NM_001287801.2); c.394G>T, p.Glu132Ter (NM_001287802.2); short protein forms E132*, E245*, E296*.
Identifiers: ClinVar variation 2749172 (VCV002749172.3), dbSNP rs370534306, ClinGen allele CA344937347.